The following is an entry in ClinVar:

ClinVar aggregate classification (germline): Likely pathogenic. Review status: criteria provided, multiple submitters, no conflicts (2 of 4 stars). 2 submissions from 2 submitters: Likely pathogenic (2). Last evaluated 2025-08-04.

Conditions:
Hereditary factor IX deficiency disease (HEMB). Also called: PLASMA THROMBOPLASTIN COMPONENT DEFICIENCY; Hemophilia B; F9 DEFICIENCY; FACTOR IX DEFICIENCY; Christmas Disease. Identifiers: Orphanet 98879, MedGen C0008533, MeSH D002836, MONDO:0010604, OMIM 306900.
Thrombophilia, X-linked, due to factor 9 defect. Identifiers: MedGen C2749016, MONDO:0010432, OMIM 300807.

Submissions (2):

Natera, Inc.
Classification: Likely pathogenic for Hemophilia B. Last evaluated: 2025-08-04. Review status: criteria provided, single submitter. Criteria: Natera Variant Classification Schema (03/2026). Collection method: clinical testing. Allele origin: germline.
Comment: The c.251C>T variant in F9 is a missense variant predicted to cause substitution of threonine to isoleucine at amino acid 84. This variant is rare in the general population with a frequency below the threshold expected for the associated phenotype(s). This variant has been observed in affected individual(s) with monoallelic occurrence (heterozygous/hemizygous) (PMID: 7974379, 19699296, 8091381). Functional studies show that this variant may disrupt protein function (PMID: 19699296, 7937052, 7974379). Computational prediction algorithms indicate this variant is likely to affect gene or protein function. Given the available evidence, this variant is classified as Likely Pathogenic.

Labcorp Genetics (formerly Invitae), Labcorp
Classification: Likely pathogenic for Thrombophilia, X-linked, due to factor 9 defect; Hereditary factor IX deficiency disease. Last evaluated: 2023-03-03. Review status: criteria provided, single submitter. Criteria: Invitae Variant Classification Sherloc (09022015). Collection method: clinical testing. Allele origin: germline.
Comment: In summary, the currently available evidence indicates that the variant is pathogenic, but additional data are needed to prove that conclusively. Therefore, this variant has been classified as Likely Pathogenic. This variant disrupts the p.Thr84 amino acid residue in F9. Other variant(s) that disrupt this residue have been observed in individuals with F9-related conditions (PMID: 7937052), which suggests that this may be a clinically significant amino acid residue. An algorithm developed to predict the effect of missense changes on protein structure and function (PolyPhen-2) suggests that this variant is likely to be disruptive. This variant is also known as C6488T. This missense change has been observed in individuals with hemophilia B (PMID: 7937052, 19699296). This variant is not present in population databases (gnomAD no frequency). This sequence change replaces threonine, which is neutral and polar, with isoleucine, which is neutral and non-polar, at codon 84 of the F9 protein (p.Thr84Ile).

Literature cited by the submitters: PubMed 7974379 (cited by Natera, Inc.); PubMed 19699296 (cited by Natera, Inc. and Labcorp Genetics (formerly Invitae), Labcorp); PubMed 8091381 (cited by Natera, Inc.); PubMed 7937052 (cited by Natera, Inc. and Labcorp Genetics (formerly Invitae), Labcorp).

NM_000133.4(F9):c.251C>T (p.Thr84Ile)

Gene: F9 (coagulation factor IX; plus strand). Cytogenetic location: Xq27.1.
Variant type: single nucleotide variant.
Coding change: c.251C>T on transcript NM_000133.4 (MANE Select); coding-DNA position 251, C replaced by T.
Protein change: p.Thr84Ile; replaces threonine 84 with isoleucine.
Molecular consequence: missense variant.
Genome position (GRCh38, 1-based): chrX:139,537,172, C>T. VCF-style: chrX-139537172-C-T. GRCh37 (hg19) VCF-style: chrX-138619331-C-T.
Other names: c.251C>T, p.Thr84Ile (NM_001313913.2); short protein forms T84I.
Identifiers: ClinVar variation 2925692 (VCV002925692.4), dbSNP rs1354291965, ClinGen allele CA414436409.